The following is an entry in ClinVar:

ClinVar aggregate classification (germline): Likely benign (1 of 4 stars; one submission).

gnomAD v4.1: 42 of 1,614,020 alleles (0.0026%); highest among the groups gnomAD compares: Non-Finnish European, 0.0031%; no homozygotes.

Submission:

CeGaT Center for Human Genetics Tuebingen
Classification: Likely benign. Last evaluated: 2025-04-01. Review status: criteria provided, single submitter. Criteria: CeGaT Center For Human Genetics Tuebingen Variant Classification Criteria Version 2. Collection method: clinical testing. Allele origin: germline. Affected: yes. Observed: 1 variant allele.
Comment: ANK3: BP4, BP7

NM_020987.5(ANK3):c.4818G>A (p.Thr1606=)

Gene: ANK3 (ankyrin 3; minus strand). Cytogenetic location: 10q21.2.
Variant type: single nucleotide variant.
Coding change: c.4818G>A on transcript NM_020987.5 (MANE Select); coding-DNA position 4818, G replaced by A.
Protein change: p.Thr1606=; no amino-acid change (threonine 1606 retained).
Molecular consequence: synonymous variant. On other transcripts: intron variant (4).
Genome position (GRCh38, 1-based): chr10:60,076,063, C>T on the plus strand (G>A on the coding strand, the complement: ANK3 is on the minus strand). VCF-style: chr10-60076063-C-T. GRCh37 (hg19) VCF-style: chr10-61835821-C-T.
Other names: c.4387+4474G>A (NM_001204403.2); c.4408+4474G>A (NM_001204404.2); c.4405+4474G>A (NM_001320874.2); c.1807+4474G>A (NM_001149.4).
Identifiers: ClinVar variation 3898258 (VCV003898258.7).